The following is an entry in ClinVar:

ClinVar aggregate classification (germline): Uncertain significance. Review status: criteria provided, multiple submitters, no conflicts (2 of 4 stars). 2 submissions from 2 submitters: Uncertain significance (2). Last evaluated 2025-08-29.

Allele frequency attached by ClinVar (database versions not stated): gnomAD exomes below 0.00001; ExAC 0.00001.
gnomAD v4.1: 5 of 1,614,100 alleles (0.00031%); highest among the groups gnomAD compares: Non-Finnish European, 0.00042%; no homozygotes.

Submissions (2):

Ambry Genetics
Classification: Uncertain significance. Last evaluated: 2025-08-29. Review status: criteria provided, single submitter. Criteria: Ambry Variant Classification Scheme 2023. Collection method: clinical testing. Allele origin: germline.

Labcorp Genetics (formerly Invitae), Labcorp
Classification: Uncertain significance. Last evaluated: 2025-03-16. Review status: criteria provided, single submitter. Criteria: Invitae Variant Classification Sherloc (09022015). Collection method: clinical testing. Allele origin: germline.
Comment: This sequence change replaces phenylalanine, which is neutral and non-polar, with leucine, which is neutral and non-polar, at codon 274 of the MCM5 protein (p.Phe274Leu). This variant is present in population databases (rs777163300, gnomAD 0.0009%). This variant has not been reported in the literature in individuals affected with MCM5-related conditions. ClinVar contains an entry for this variant (Variation ID: 2190357). Invitae Evidence Modeling of protein sequence and biophysical properties (such as structural, functional, and spatial information, amino acid conservation, physicochemical variation, residue mobility, and thermodynamic stability) indicates that this missense variant is not expected to disrupt MCM5 protein function with a negative predictive value of 80%. In summary, the available evidence is currently insufficient to determine the role of this variant in disease. Therefore, it has been classified as a Variant of Uncertain Significance.

NM_006739.4(MCM5):c.820T>C (p.Phe274Leu)

Gene: MCM5 (minichromosome maintenance complex component 5; plus strand). Cytogenetic location: 22q12.3.
Variant type: single nucleotide variant.
Coding change: c.820T>C on transcript NM_006739.4 (MANE Select); coding-DNA position 820, T replaced by C.
Protein change: p.Phe274Leu; replaces phenylalanine 274 with leucine.
Molecular consequence: missense variant.
Genome position (GRCh38, 1-based): chr22:35,410,811, T>C. VCF-style: chr22-35410811-T-C. GRCh37 (hg19) VCF-style: chr22-35806804-T-C.
Other names: c.820T>C (NM_006739.3); short protein forms F274L.
Identifiers: ClinVar variation 2190357 (VCV002190357.5), dbSNP rs777163300, ClinGen allele CA10205177.
Genomic context (GRCh38, chr22:35,410,811, plus strand): 5'-TGTGACAAGGTCGTCCCTGGGAACAGGGTTACCATCATGGGCATCTACTCCATCAAGAAG[T>C]TTGGCCTGACTACCAGCAGGGGCCGTGACAGGGTGGGCGTGGGCATCCGAAGCTCCTACA-3'
Protein context (NP_006730.2, residues 264-284): TIMGIYSIKK[Phe274Leu]GLTTSRGRDR